The following is an entry in ClinVar:

NM_003384.3(VRK1):c.970del (p.Leu324fs)

Gene: VRK1 (VRK serine/threonine kinase 1; plus strand). Cytogenetic location: 14q32.2.
Variant type: Deletion.
Coding change: c.970del on transcript NM_003384.3 (MANE Select); coding-DNA position 970, one base deleted (C; older notation c.970delC).
Protein change: p.Leu324fs; shifts the reading frame from leucine 324.
Molecular consequence: frameshift variant.
Genome position (GRCh38, 1-based): chr14:96,860,637, C deleted. VCF-style (leftmost placement, unchanged base first): chr14-96860636-TC-T. GRCh37 (hg19) VCF-style: chr14-97326973-TC-T.
Other names: c.970del, p.Leu324fs (NM_001411051.1, NM_001411053.1); short protein forms L324fs.
Identifiers: ClinVar variation 5012460 (VCV005012460.1).

ClinVar aggregate classification (germline): Pathogenic (1 of 4 stars; one submission).

Conditions:
Pontocerebellar hypoplasia type 1A (PCH1A). Also called: PONTOCEREBELLAR HYPOPLASIA WITH ANTERIOR HORN CELL DISEASE; PONTOCEREBELLAR HYPOPLASIA WITH INFANTILE SPINAL MUSCULAR ATROPHY. Identifiers: Orphanet 2254, Orphanet 88616, MedGen C1843504, MONDO:0011866, OMIM 607596.

Submission:

Myriad Genetics, Inc.
Classification: Pathogenic for Pontocerebellar hypoplasia type 1A. Last evaluated: 2023-11-04. Review status: criteria provided, single submitter. Criteria: Myriad Autosomal Dominant, Autosomal Recessive and X-Linked Classification Criteria (2023). Collection method: clinical testing. Allele origin: unknown.
Comment: NM_003384.2(VRK1):c.970delC(L324Ffs*5) is expected to be pathogenic in the context of pontocerebellar hypoplasia, VRK1-related. This variant is predicted to lead to an abnormal or absent protein product due to the creation of a premature termination codon in VRK1, a gene where loss-of-function variants are known to be pathogenic. Please note: this variant was assessed in the context of healthy population screening.